The following is an entry in ClinVar:

NM_000051.4(ATM):c.98T>C (p.Leu33Pro)

Gene: ATM (ATM serine/threonine kinase; plus strand). Cytogenetic location: 11q22.3.
Variant type: single nucleotide variant.
Coding change: c.98T>C on transcript NM_000051.4 (MANE Select); coding-DNA position 98, T replaced by C.
Protein change: p.Leu33Pro; replaces leucine 33 with proline.
Molecular consequence: missense variant.
Genome position (GRCh38, 1-based): chr11:108,227,801, T>C. VCF-style: chr11-108227801-T-C. GRCh37 (hg19) VCF-style: chr11-108098528-T-C.
Other names: c.98T>C, p.Leu33Pro (NM_001351834.2, NM_001351835.2, NM_001351836.2); short protein forms L33P.
Identifiers: ClinVar variation 1041084 (VCV001041084.8), dbSNP rs2078818941, ClinGen allele CA382519697.

ClinVar aggregate classification (germline): Uncertain significance (1 of 4 stars; one submission).

Conditions:
Ataxia-telangiectasia syndrome (AT). Also called: ATAXIA-TELANGIECTASIA, COMPLEMENTATION GROUP A; ATAXIA-TELANGIECTASIA, FRESNO VARIANT; Ataxia-telangiectasia, complementation group D; AT, COMPLEMENTATION GROUP C; Cerebello-oculocutaneous telangiectasia; Immunodeficiency with ataxia telangiectasia. Identifiers: Orphanet 100, MedGen C0004135, MONDO:0008840, OMIM 208900.

Submission:

Labcorp Genetics (formerly Invitae), Labcorp
Classification: Uncertain significance for Ataxia-telangiectasia syndrome. Last evaluated: 2020-10-09. Review status: criteria provided, single submitter. Criteria: Invitae Variant Classification Sherloc (09022015). Collection method: clinical testing. Allele origin: germline.
Comment: In summary, the available evidence is currently insufficient to determine the role of this variant in disease. Therefore, it has been classified as a Variant of Uncertain Significance. Advanced modeling of protein sequence and biophysical properties (such as structural, functional, and spatial information, amino acid conservation, physicochemical variation, residue mobility, and thermodynamic stability) performed at Invitae indicates that this missense variant is not expected to disrupt ATM protein function. This variant has not been reported in the literature in individuals with ATM-related conditions. This variant is not present in population databases (ExAC no frequency). This sequence change replaces leucine with proline at codon 33 of the ATM protein (p.Leu33Pro). The leucine residue is highly conserved and there is a moderate physicochemical difference between leucine and proline.